The following is an entry in ClinVar:

NM_000722.4(CACNA2D1):c.1310C>T (p.Ala437Val)

Genes: CACNA2D1 (calcium voltage-gated channel auxiliary subunit alpha2delta 1; minus strand), CACNA2D1-AS1 (CACNA2D1 antisense RNA 1; plus strand). Cytogenetic location: 7q21.11.
Variant type: single nucleotide variant.
Coding change: c.1310C>T on transcript NM_000722.4 (MANE Select); coding-DNA position 1310, C replaced by T.
Protein change: p.Ala437Val; replaces alanine 437 with valine.
Molecular consequence: missense variant.
Genome position (GRCh38, 1-based): chr7:82,012,206, G>A on the plus strand (C>T on the coding strand, the complement: CACNA2D1 is on the minus strand). VCF-style: chr7-82012206-G-A. GRCh37 (hg19) VCF-style: chr7-81641522-G-A.
Other names: c.1310C>T, p.Ala437Val (NM_001366867.1); short protein forms A437V.
Identifiers: ClinVar variation 4729617 (VCV004729617.1).

ClinVar aggregate classification (germline): Uncertain significance (1 of 4 stars; one submission).

Conditions:
Brugada syndrome. Also called: Sudden unexpected nocturnal death syndrome; Sudden unexplained nocturnal death syndrome; Sudden Unexplained Death Syndrome; Sudden Unexplained Nocturnal Death Syndrome (SUNDS). Identifiers: Orphanet 130, MedGen C1142166, MONDO:0015263.

Submission:

Labcorp Genetics (formerly Invitae), Labcorp
Classification: Uncertain significance for Brugada syndrome. Last evaluated: 2025-10-22. Review status: criteria provided, single submitter. Criteria: Invitae Variant Classification Sherloc (09022015). Collection method: clinical testing. Allele origin: germline.
Comment: This sequence change replaces alanine, which is neutral and non-polar, with valine, which is neutral and non-polar, at codon 437 of the CACNA2D1 protein (p.Ala437Val). This variant is not present in population databases (gnomAD no frequency). This variant has not been reported in the literature in individuals affected with CACNA2D1-related conditions. An algorithm developed to predict the effect of missense changes on protein structure and function (PolyPhen-2) suggests that this variant is likely to be disruptive. In summary, the available evidence is currently insufficient to determine the role of this variant in disease. Therefore, it has been classified as a Variant of Uncertain Significance.